The following is an entry in ClinVar:

NM_000038.6(APC):c.933+1205G>A

Gene: APC (APC regulator of WNT signaling pathway; plus strand). Cytogenetic location: 5q22.2.
Variant type: single nucleotide variant.
Coding change: c.933+1205G>A on transcript NM_000038.6 (MANE Select); 1205 bases into the intron after coding-DNA position 933, G replaced by A.
Molecular consequence: intron variant.
Genome position (GRCh38, 1-based): chr5:112,816,798, G>A. VCF-style: chr5-112816798-G-A. GRCh37 (hg19) VCF-style: chr5-112152495-G-A.
Other names: c.933+1205G>A (NM_001354895.2, NM_001127510.3, NM_001354896.2 and 1 more transcripts); c.963+1205G>A (NM_001354897.2, NM_001354902.2); c.879+1205G>A (NM_001127511.3); c.858+1205G>A (NM_001354898.2, NM_001354904.2); c.84+1205G>A (NM_001354906.2); c.849+1205G>A (NM_001354899.2); c.756+1205G>A (NM_001354900.2, NM_001354901.2, NM_001354905.2).
Identifiers: ClinVar variation 83107 (VCV000083107.2), dbSNP rs80194686, ClinGen allele CA015695.

ClinVar aggregate classification (germline): other (0 of 4 stars; one submission).

Conditions:
Familial colorectal cancer. Identifiers: MedGen CN280943, MONDO:0023113. Disease mechanism: loss of function.

Submission:

Systems Biology Platform Zhejiang California International NanoSystems Institute
Classification: other for Familial colorectal cancer. Review status: no assertion criteria provided. Collection method: not provided. Allele origin: unknown.
ClinVar note: Converted during submission from cancer to other.